The following is an entry in ClinVar:

ClinVar aggregate classification (germline): Uncertain significance. Review status: criteria provided, multiple submitters, no conflicts (2 of 4 stars). 3 submissions from 3 submitters: Uncertain significance (3). Last evaluated 2025-12-19.

Conditions:
Hereditary cancer-predisposing syndrome. Also called: Hereditary neoplastic syndrome; Neoplastic Syndromes, Hereditary; Hereditary Cancer Syndrome; Tumor predisposition. Identifiers: Orphanet 140162, MedGen C0027672, MeSH D009386, MONDO:0015356.
Cardiovascular phenotype. Identifiers: MedGen CN230736.
LZTR1-related schwannomatosis. Also called: Schwannomatosis 2; Schwannomatosis-2, susceptibility to. Identifiers: Orphanet 93921, MedGen C3810283, MONDO:0014299, OMIM 615670.

Allele frequency attached by ClinVar (database versions not stated): ExAC 0.00002.
gnomAD v4.1: 4 of 1,598,654 alleles (0.00025%); highest among the groups gnomAD compares: Admixed American, 0.0069%; no homozygotes.

Submissions (3):

Labcorp Genetics (formerly Invitae), Labcorp
Classification: Uncertain significance. Last evaluated: 2025-12-19. Review status: criteria provided, single submitter. Criteria: Invitae Variant Classification Sherloc (09022015). Collection method: clinical testing. Allele origin: germline.
Comment: This sequence change replaces serine, which is neutral and polar, with threonine, which is neutral and polar, at codon 27 of the LZTR1 protein (p.Ser27Thr). This variant is present in population databases (rs776383010, gnomAD 0.01%). This variant has not been reported in the literature in individuals affected with LZTR1-related conditions. ClinVar contains an entry for this variant (Variation ID: 1488297). Invitae Evidence Modeling of protein sequence and biophysical properties (such as structural, functional, and spatial information, amino acid conservation, physicochemical variation, residue mobility, and thermodynamic stability) indicates that this missense variant is not expected to disrupt LZTR1 protein function with a negative predictive value of 80%. In summary, the available evidence is currently insufficient to determine the role of this variant in disease. Therefore, it has been classified as a Variant of Uncertain Significance.

Baylor Genetics
Classification: Uncertain significance for LZTR1-related schwannomatosis. Last evaluated: 2023-10-15. Review status: criteria provided, single submitter. Criteria: ACMG Guidelines, 2015. Collection method: clinical testing. Allele origin: unknown.

Ambry Genetics
Classification: Uncertain significance for Cardiovascular phenotype; Hereditary cancer-predisposing syndrome. Last evaluated: 2021-09-28. Review status: criteria provided, single submitter. Criteria: Ambry Variant Classification Scheme 2023. Collection method: clinical testing. Allele origin: germline.
Comment: The p.S27T variant (also known as c.80G>C), located in coding exon 1 of the LZTR1 gene, results from a G to C substitution at nucleotide position 80. The serine at codon 27 is replaced by threonine, an amino acid with similar properties. This amino acid position is highly conserved in available vertebrate species. In addition, this alteration is predicted to be tolerated by in silico analysis. Since supporting evidence is limited at this time, the clinical significance of this alteration remains unclear.

NM_006767.4(LZTR1):c.80G>C (p.Ser27Thr)

Genes: LZTR1 (leucine zipper like post translational regulator 1; plus strand), LOC130067016 (ATAC-STARR-seq lymphoblastoid silent region 13504; plus strand). Cytogenetic location: 22q11.21.
Variant type: single nucleotide variant.
Coding change: c.80G>C on transcript NM_006767.4 (MANE Select); coding-DNA position 80, G replaced by C.
Protein change: p.Ser27Thr; replaces serine 27 with threonine.
Molecular consequence: missense variant.
Genome position (GRCh38, 1-based): chr22:20,982,451, G>C. VCF-style: chr22-20982451-G-C. GRCh37 (hg19) VCF-style: chr22-21336740-G-C.
Other names: short protein forms S27T.
Identifiers: ClinVar variation 1488297 (VCV001488297.9), dbSNP rs776383010, ClinGen allele CA10118280.